The following is an entry in ClinVar:

ClinVar aggregate classification (germline): Likely benign (1 of 4 stars; one submission).

Conditions:
Neurodegeneration with brain iron accumulation 4 (NBIA4). Also called: MITOCHONDRIAL PROTEIN-ASSOCIATED NEURODEGENERATION. Identifiers: Orphanet 289560, MedGen C3280371, MONDO:0013674, OMIM 614298. Disease mechanism: loss of function.

Allele frequency attached by ClinVar (database versions not stated): ExAC below 0.00001; gnomAD exomes 0.00031 and 0.00087; gnomAD 0.00364 and 0.00405; TOPMed 0.00366; 1000 Genomes Project 30x 0.00234; 1000 Genomes Project 0.00240.
gnomAD v4.1: 630 of 387,416 alleles (0.16%); highest among the groups gnomAD compares: African/African-American, 1.2%; 3 homozygotes.

Submission:

Illumina Laboratory Services, Illumina
Classification: Likely benign for Neurodegeneration with brain iron accumulation 4. Last evaluated: 2018-01-12. Review status: criteria provided, single submitter. Criteria: ICSL Variant Classification Criteria 13 December 2019. Collection method: clinical testing. Allele origin: germline.
Comment: This variant was observed in the ICSL laboratory as part of a predisposition screen in an ostensibly healthy population. It had not been previously curated by ICSL or reported in the Human Gene Mutation Database (HGMD: prior to June 1st, 2018), and was therefore a candidate for classification through an automated scoring system. Utilizing variant allele frequency, disease prevalence and penetrance estimates, and inheritance mode, an automated score was calculated to assess if this variant is too frequent to cause the disease. Based on the score and internal cut-off values, a variant classified as likely benign is not then subjected to further curation. The score for this variant resulted in a classification of likely benign for this disease.

NM_031448.6(C19orf12):c.*3304T>C

Gene: C19orf12 (chromosome 19 open reading frame 12; minus strand). Cytogenetic location: 19q12.
Variant type: single nucleotide variant.
Coding change: c.*3304T>C on transcript NM_031448.6 (MANE Select); 3304 bases downstream of the stop codon, T replaced by C.
Molecular consequence: 3 prime UTR variant.
Genome position (GRCh38, 1-based): chr19:29,699,408, A>G on the plus strand (T>C on the coding strand, the complement: C19orf12 is on the minus strand). VCF-style: chr19-29699408-A-G. GRCh37 (hg19) VCF-style: chr19-30190315-A-G.
Other names: c.*3304T>C (NM_001031726.4, NM_001256047.2, NM_001282929.1 and 2 more transcripts); c.*3351T>C (NM_001256046.3).
Identifiers: ClinVar variation 328666 (VCV000328666.5), dbSNP rs547761506, ClinGen allele CA9351632.